The following is an entry in ClinVar:

ClinVar aggregate classification (germline): Uncertain significance. Review status: criteria provided, multiple submitters, no conflicts (2 of 4 stars). 2 submissions from 2 submitters: Uncertain significance (2). Last evaluated 2026-09-19.

Conditions:
Intellectual disability-facial dysmorphism syndrome due to SETD5 haploinsufficiency (MRD23). Also called: Intellectual developmental disorder, autosomal dominant 23. Identifiers: Orphanet 404440, MedGen C3810406, MONDO:0014336, OMIM 615761.

Submissions (2):

GeneDx
Classification: Uncertain significance. Last evaluated: 2026-09-19. Review status: criteria provided, single submitter. Criteria: GeneDx Variant Classification Process June 2021. Collection method: clinical testing. Allele origin: germline.
Comment: Not observed at significant frequency in large population cohorts (gnomAD); In silico analysis supports that this missense variant has a deleterious effect on protein structure/function; Has not been previously published as pathogenic or benign to our knowledge

MGZ Medical Genetics Center
Classification: Uncertain significance for Intellectual disability-facial dysmorphism syndrome due to SETD5 haploinsufficiency. Last evaluated: 2022-06-20. Review status: criteria provided, single submitter. Criteria: ACMG Guidelines, 2015. Collection method: clinical testing. Allele origin: germline. Affected: yes. Observed: 1 variant allele.
Comment: ACMG criteria applied: PS2_SUP, PM2_SUP, PP3

NM_001080517.3(SETD5):c.667A>C (p.Asn223His)

Gene: SETD5 (SET domain containing 5; plus strand). Cytogenetic location: 3p25.3.
Variant type: single nucleotide variant.
Coding change: c.667A>C on transcript NM_001080517.3 (MANE Select); coding-DNA position 667, A replaced by C.
Protein change: p.Asn223His; replaces asparagine 223 with histidine.
Molecular consequence: missense variant.
Genome position (GRCh38, 1-based): chr3:9,440,555, A>C. VCF-style: chr3-9440555-A-C. GRCh37 (hg19) VCF-style: chr3-9482239-A-C.
Other names: c.373A>C, p.Asn125His (NM_001292043.2, NM_001349451.2); c.667A>C (NM_001080517.1); short protein forms N125H, N223H.
Identifiers: ClinVar variation 1709545 (VCV001709545.4), dbSNP rs2472658032, ClinGen allele CA351687452.